The following is an entry in ClinVar:

ClinVar aggregate classification (germline): Benign. Review status: criteria provided, multiple submitters, no conflicts (2 of 4 stars). 3 submissions from 3 submitters: Benign (3). Last evaluated 2021-07-01.

Conditions:
Usher syndrome type 1F (USH1F). Also called: USHER SYNDROME, TYPE IF. Identifiers: Orphanet 231169, Orphanet 886, MedGen C1865885, MONDO:0011186, OMIM 602083.

Allele frequency attached by ClinVar (database versions not stated): 1000 Genomes Project 0.83906; 1000 Genomes Project 30x 0.83526; gnomAD 0.74015; gnomAD exomes 0.69616; TOPMed 0.76715.
gnomAD v4.1: 1,108,181 of 1,576,390 alleles (70%); highest among the groups gnomAD compares: East Asian, 100%; 395,356 homozygotes.

Submissions (3):

Genome-Nilou Lab
Classification: Benign for Usher syndrome type 1F. Last evaluated: 2021-07-01. Review status: criteria provided, single submitter. Criteria: ACMG Guidelines, 2015. Collection method: clinical testing. Allele origin: germline. Affected: no.

GeneDx
Classification: Benign. Last evaluated: 2018-06-14. Review status: criteria provided, single submitter. Criteria: GeneDx Variant Classification (06012015). Collection method: clinical testing. Allele origin: germline. Affected: yes.
Comment: This variant is considered likely benign or benign based on one or more of the following criteria: it is a conservative change, it occurs at a poorly conserved position in the protein, it is predicted to be benign by multiple in silico algorithms, and/or has population frequency not consistent with disease.

Breakthrough Genomics
Classification: Benign. Review status: criteria provided, single submitter. Criteria: ACMG Guidelines, 2015. Collection method: not provided. Allele origin: germline. Inheritance: Autosomal recessive inheritance. Affected: yes.

NM_001384140.1(PCDH15):c.3374-68T>G

Gene: PCDH15 (protocadherin related 15; minus strand). Cytogenetic location: 10q21.1.
Variant type: single nucleotide variant.
Coding change: c.3374-68T>G on transcript NM_001384140.1 (MANE Select); 68 bases into the intron before coding-DNA position 3374, T replaced by G.
Molecular consequence: intron variant.
Genome position (GRCh38, 1-based): chr10:53,903,438, A>C on the plus strand (T>G on the coding strand, the complement: PCDH15 is on the minus strand). VCF-style: chr10-53903438-A-C. GRCh37 (hg19) VCF-style: chr10-55663198-A-C.
Other names: c.3374-68T>G (NM_001354420.2, NM_001354429.2, NM_001142772.2 and 4 more transcripts); c.3389-68T>G (NM_001142771.2, NM_001142763.2); c.3395-68T>G (NM_001354411.2); c.3410-68T>G (NM_001142769.3); c.3308-68T>G (NM_001354404.2, NM_001142773.2, NM_001142768.2); c.3263-68T>G (NM_001142767.2); c.3161-68T>G (NM_001142765.2).
Identifiers: ClinVar variation 674390 (VCV000674390.5), dbSNP rs10740559, ClinGen allele CA13320950.
Genomic context (GRCh38, chr10:53,903,438, plus strand): 5'-ACAAGAAACGATGCATTTTTTATTGGTGGTTATTCATGGGGGAAAAAATGCACTGAAGTA[A>C]ATATTTGCTGCACTTTTTTTTGGAAACATTGAAAATAAATCAAAAGCCATTTCTAGATGC-3'